The following is an entry in ClinVar:

NM_012281.3(KCND2):c.1003A>G (p.Ile335Val)

Gene: KCND2 (potassium voltage-gated channel subfamily D member 2; plus strand). Cytogenetic location: 7q31.31.
Variant type: single nucleotide variant.
Coding change: c.1003A>G on transcript NM_012281.3 (MANE Select); coding-DNA position 1003, A replaced by G.
Protein change: p.Ile335Val; replaces isoleucine 335 with valine.
Molecular consequence: missense variant.
Genome position (GRCh38, 1-based): chr7:120,275,635, A>G. VCF-style: chr7-120275635-A-G. GRCh37 (hg19) VCF-style: chr7-119915689-A-G.
Other names: short protein forms I335V.
Identifiers: ClinVar variation 3625045 (VCV003625045.2).

ClinVar aggregate classification (germline): Uncertain significance (1 of 4 stars; one submission).

Conditions:
Early Myoclonic Encephalopathy. Identifiers: MedGen C0270855.

Submission:

Labcorp Genetics (formerly Invitae), Labcorp
Classification: Uncertain significance for Early Myoclonic Encephalopathy. Last evaluated: 2024-04-12. Review status: criteria provided, single submitter. Criteria: Invitae Variant Classification Sherloc (09022015). Collection method: clinical testing. Allele origin: germline.
Comment: This sequence change replaces isoleucine, which is neutral and non-polar, with valine, which is neutral and non-polar, at codon 335 of the KCND2 protein (p.Ile335Val). This variant is not present in population databases (gnomAD no frequency). This variant has not been reported in the literature in individuals affected with KCND2-related conditions. Advanced modeling of protein sequence and biophysical properties (such as structural, functional, and spatial information, amino acid conservation, physicochemical variation, residue mobility, and thermodynamic stability) performed at Invitae indicates that this missense variant is not expected to disrupt KCND2 protein function with a negative predictive value of 80%. In summary, the available evidence is currently insufficient to determine the role of this variant in disease. Therefore, it has been classified as a Variant of Uncertain Significance.